The following continues an entry in ClinVar:

NM_000548.5(TSC2):c.1832G>A (p.Arg611Gln)

Gene: TSC2. ClinVar aggregate classification (germline): Pathogenic/Likely pathogenic. Pathogenic (21); Likely pathogenic (1).

Submissions 10 to 27 of 27:

Genomic Medicine Center of Excellence, King Faisal Specialist Hospital and Research Centre
Classification: Likely pathogenic for Tuberous sclerosis 2. Last evaluated: 2024-03-25. Review status: criteria provided, single submitter. Criteria: ACMG Guidelines, 2015. Collection method: research. Allele origin: germline.

Ambry Genetics
Classification: Pathogenic for Hereditary cancer-predisposing syndrome. Last evaluated: 2023-06-08. Review status: criteria provided, single submitter. Criteria: Ambry Variant Classification Scheme 2023. Collection method: clinical testing. Allele origin: germline.
Comment: The p.R611Q pathogenic mutation (also known as c.1832G>A), located in coding exon 16 of the TSC2 gene, results from a G to A substitution at nucleotide position 1832. The arginine at codon 611 is replaced by glutamine, an amino acid with some highly similar properties. This pathogenic mutation has been shown to inactivate the tuberin-hamartin complex, disrupt the ability of the tuberin protein to chaperone the hamartin protein throughout the cell, disrupt the phosphorylation of the tuberin protein and several downstream target proteins, and to cause the loss of GTPase activity stimulation (Nellist M et al. Hum. Mol. Genet. 2001 Dec; 10(25):2889-98; Nellist M et al. Eur. J. Hum. Genet. 2005 Jan; 13(1):59-68). This pathogenic mutation has been reported as a de novo finding in unrelated individuals with tuberous sclerosis complex (TSC) (Au KS et al. Am. J. Hum. Genet. 1998 Feb; 62(2):286-94), and has also been reported in multiple individuals diagnosed with TSC and infantile spasms (van Eeghen AM et al. Epilepsy Res. 2013 Jan; 103(1):83-7). Another alteration at this codon, p.R611W (c.1831C>T), has also been classified as a pathogenic mutation in the literature (Nellist M et al. Hum. Mol. Genet. 2001 Dec; 10(25):2889-98; Nellist M et al. Eur. J. Hum. Genet. 2005 Jan; 13(1):59-68). This variant is considered to be rare based on population cohorts in the Genome Aggregation Database (gnomAD). This amino acid position is highly conserved in available vertebrate species. In addition, this alteration is predicted to be deleterious by in silico analysis. Based on the supporting evidence, this alteration is interpreted as a disease-causing mutation.

Illumina Laboratory Services, Illumina
Classification: Pathogenic. Last evaluated: 2022-09-15. Review status: criteria provided, single submitter. Criteria: ICSL CNVClassificationCriteria Aug2020. Collection method: clinical testing. Allele origin: unknown. Affected: yes.
Comment: The TSC2 c.1832G>A (p.Arg611Gln) missense variant results in the substitution of arginine at amino acid position 611 with glutamine. Across a selection of available literature, the c.1832G>A variant has been reported in at least 17 individuals with tuberous sclerosis complex, with several described as occurring de novo (PMID: 9463313; PMID: 15595939; PMID: 22867869; PMID: 32555378). Another variant at the same amino acid position, c.1831C>T (p.Arg611Trp), has been reported in a heterozygous state in at least six individuals with tuberous sclerosis complex (PMID: 15595939; PMID: 22867869). The c.1832G>A variant is not found in version 2.1.1 or version 3.1.2 of the Genome Aggregation Database. Functional analysis using mass spectrometry and coimmunoprecipitation determined the c.1832G>A variant is associated with loss of phosphorylation and is inactivated due to protein mis-folding (PMID: 15963462). This variant was identified in a de novo state. Based on the available evidence, the c.1832G>A (p.Arg611Gln) variant is classified as pathogenic for tuberous sclerosis complex.

ARUP Laboratories, Molecular Genetics and Genomics, ARUP Laboratories
Classification: Pathogenic. Last evaluated: 2022-04-18. Review status: criteria provided, single submitter. Criteria: ARUP Molecular Germline Variant Investigation Process 2021. Collection method: clinical testing. Allele origin: germline.
Comment: The TSC2 c.1832G>A; p.Arg611Gln variant (rs28934872) is described in the literature in several individuals with a clinical diagnosis of tuberous sclerosis complex, including the variant occurring de novo in at least three individuals (Babol-Pokora 2021, Reyna-Fabian 2020, Suspitsin 2018). The variant is listed as pathogenic by several sources in the ClinVar database (Variation ID: 12397) and is absent from the Genome Aggregation Database, indicating it is not a common polymorphism. The arginine at codon 611 is highly conserved, and computational analyses predict that this variant is deleterious (REVEL: 0.893). Functional studies indicate the variant disrupts the interaction with hamartin and inhibits phosphorylation (Hoogeveen-Westerveld 2011, Nellist 2005). Based on available information, this variant is classified as pathogenic. References: Babol-Pokora K et al. A multistep approach to the genotype-phenotype analysis of Polish patients with tuberous sclerosis complex. Eur J Med Genet. 2021 Oct;64(10):104309. PMID: 34403804. Hoogeveen-Westerveld M et al. Functional assessment of variants in the TSC1 and TSC2 genes identified in individuals with Tuberous Sclerosis Complex. Hum Mutat. 2011 Apr;32(4):424-35. PMID: 21309039. Nellist M et al. Distinct effects of single amino-acid changes to tuberin on the function of the tuberin-hamartin complex. Eur J Hum Genet. 2005 Jan;13(1):59-68. PMID: 15483652. Reyna-Fabian ME et al. First comprehensive TSC1/TSC2 mutational analysis in Mexican patients with Tuberous Sclerosis Complex reveals numerous novel pathogenic variants. Sci Rep. 2020 Apr 20;10(1):6589. PMID: 32313033. Suspitsin EN et al. Pattern of TSC1 and TSC2 germline mutations in Russian patients with tuberous sclerosis. J Hum Genet. 2018 May;63(5):597-604. PMID: 29476190.

Fulgent Genetics
Classification: Pathogenic for Lymphangiomyomatosis; Isolated focal cortical dysplasia type II; Tuberous sclerosis 2. Last evaluated: 2022-03-02. Review status: criteria provided, single submitter. Criteria: ACMG Guidelines, 2015. Collection method: clinical testing. Allele origin: unknown.

Blueprint Genetics
Classification: Pathogenic for TSC2-related disorders. Last evaluated: 2022-02-17. Review status: criteria provided, single submitter. Criteria: ACMG Guidelines, 2015. Collection method: clinical testing. Allele origin: germline. Affected: yes. Observed: 2 variant alleles.

GeneDx
Classification: Pathogenic. Last evaluated: 2021-11-09. Review status: criteria provided, single submitter. Criteria: GeneDx Variant Classification Process June 2021. Collection method: clinical testing. Allele origin: germline. Affected: yes.
Comment: Functional studies indicate that R611Q disrupts the TSC1-TSC2 complex (Nellist et al., 2001; Nellist et al., 2005; Hoogeveen-Westerveld et al., 2011); Not observed at significant frequency in large population cohorts (Lek et al., 2016); In silico analysis supports that this missense variant has a deleterious effect on protein structure/function; This variant is associated with the following publications: (PMID: 31447099, 27542907, 22867869, 15483652, 15798777, 11741832, 27216612, 26703369, 27406250, 29632054, 29129521, 29308833, 29476190, 16032769, 30293248, 31083211, 32555378, 31799751, 32340510, 32313033, 18466115, 30787465, 9463313, 32211034, 21309039)

Genome-Nilou Lab
Classification: Pathogenic for Tuberous sclerosis 2. Last evaluated: 2021-11-07. Review status: criteria provided, single submitter. Criteria: ACMG Guidelines, 2015. Collection method: clinical testing. Allele origin: germline. Affected: no.

Division of Genomic Medicine, Department of Advanced Medicine, Medical Research Institute, Kanazawa Medical University
Classification: Pathogenic for Tuberous sclerosis 2. Last evaluated: 2020-07-10. Review status: criteria provided, single submitter. Criteria: ACMG Guidelines, 2015. Collection method: clinical testing. Allele origin: germline. Affected: yes. Observed: 1 variant allele.

Athena Diagnostics
Classification: Pathogenic. Last evaluated: 2019-06-14. Review status: criteria provided, single submitter. Criteria: Athena Diagnostics Criteria. Collection method: clinical testing. Allele origin: unknown.
Comment: Not found in the total gnomAD dataset, and the data is high quality. This variant is statistically more frequent in affected individuals than in the general population and/or healthy controls. Predicted to have a damaging effect on the protein. Assessment of experimental evidence suggests this variant results in abnormal protein function. One de novo case with parental identity confirmed plus 1 unconfirmed case.

Human Genome Sequencing Center Clinical Lab, Baylor College of Medicine
Classification: Pathogenic for Tuberous sclerosis 2. Last evaluated: 2017-12-04. Review status: criteria provided, single submitter. Criteria: ACMG Guidelines, 2015. Collection method: clinical testing. Allele origin: germline.
Comment: This c.1832G>A (p.Arg611Gln) variant in the TSC2 gene has been reported in multiple unrelated individuals with Tuberous Sclerosis (PMID: 9463313, 10570911, 15595939). Functional studies have shown that the p.Arg611Gln mutant tuberin protein (encoded by the TSC2 gene) has decreased interaction with its binding partner, hamartin, and is unable to inhibit the mTOR pathway properly (PMID: 11741832, 15483652, 15963462, 18302728, 18308511, 21309039). The c.1832G>A variant in TSC2 is not present in the general population. This c.1832G>A (p.Arg611Gln) variant in the TSC2 gene is classified as pathogenic.

Center for Human Genetics, Inc
Classification: Pathogenic for Tuberous sclerosis 2. Last evaluated: 2016-11-01. Review status: criteria provided, single submitter. Criteria: ACMG Guidelines, 2015. Collection method: clinical testing. Allele origin: germline. Affected: yes.

Center for Genomics, Ann and Robert H. Lurie Children's Hospital of Chicago
Classification: Pathogenic for Lymphangiomyomatosis; Isolated focal cortical dysplasia type II; Tuberous sclerosis 2. Review status: criteria provided, single submitter. Criteria: ACMG Guidelines, 2015. Collection method: clinical testing. Allele origin: germline.
Comment: TSC2 NM_000548.4 exon 17 p.Arg611Gln (c.1832G>A): This variant has been reported in the literature in several individuals with tuberous sclerosis, at least one of whom was determined to be de novo (Au 1998 PMID:9463313, van Eeghen 2013 PMID:22867869, Overwater 2016 PMID:27406250). This variant is not present in large control databases. This variant is present in ClinVar, with several labs classifying this variant as pathogenic (Variation ID:12397). Evolutionary conservation and computational predictive tools predict that this variant may impact the protein. Additionally, in vitro functional studies further support an impact to the protein (Nellist 2001 PMID:11741832, Nellist 2005 PMID:15483652). Furthermore, another variant at this same codon (p.Arg611Trp) has been reported in the literature in association with disease and has been seen by our lab in an individual with tuberous sclerosis, further supporting that this region has significance. In summary, this variant is classified as pathogenic based on the data above.

OMIM
Classification: Pathogenic for TUBEROUS SCLEROSIS 2. Last evaluated: 2000-05-23. Review status: no assertion criteria provided. Collection method: literature only. Allele origin: germline. Not counted in ClinVar's aggregate classification.

OMIM
Classification: Pathogenic for LYMPHANGIOLEIOMYOMATOSIS, SOMATIC. Last evaluated: 2000-05-23. Review status: no assertion criteria provided. Collection method: literature only. Allele origin: somatic. Not counted in ClinVar's aggregate classification.

SN ONGC Dept of Genetics and Molecular biology Vision Research Foundation
No classification provided. Review status: no classification provided. Collection method: not provided. Allele origin: unknown. Not counted in ClinVar's aggregate classification.
Comment: test comment3

Tuberous sclerosis database (TSC2)
No classification provided. Condition: TSC. Review status: no classification provided. Criteria: Tuberous Sclerosis Database Assertion Criteria 2015. Collection method: curation. Allele origin: germline. Affected: yes. Not counted in ClinVar's aggregate classification.

Tuberous sclerosis database (TSC2)
No classification provided. Condition: LAM. Review status: no classification provided. Criteria: Tuberous Sclerosis Database Assertion Criteria 2015. Collection method: curation. Allele origin: germline. Affected: yes. Not counted in ClinVar's aggregate classification.

Literature cited by the submitters: PubMed 9463313 (cited by 5 submitters); PubMed 10205261 (cited by Labcorp Genetics (formerly Invitae), Labcorp and Athena Diagnostics); PubMed 15595939 (cited by 3 submitters); PubMed 17304050 (cited by Labcorp Genetics (formerly Invitae), Labcorp and Athena Diagnostics); PubMed 11741832 (cited by 3 submitters); PubMed 15483652 (cited by 5 submitters); PubMed 18854862 (cited by Labcorp Genetics (formerly Invitae), Labcorp and Athena Diagnostics); PubMed 21309039 (cited by 5 submitters); PubMed 26703369 (cited by Labcorp Genetics (formerly Invitae), Labcorp and Athena Diagnostics); PubMed 39596632 (cited by Dasa); PubMed 40225170 (cited by Dasa); PubMed 31083211 (cited by Dasa); PubMed 27406250 (cited by Dasa); PubMed 32555378 (cited by Dasa and Illumina Laboratory Services, Illumina); PubMed 36030538 (cited by 3billion); PubMed 16032769 (cited by Ambry Genetics and Athena Diagnostics); PubMed 22867869 (cited by Ambry Genetics and Illumina Laboratory Services, Illumina); PubMed 15963462 (cited by Illumina Laboratory Services, Illumina and Athena Diagnostics); PubMed 10570911 (cited by Athena Diagnostics); PubMed 10823953 (cited by Athena Diagnostics and OMIM); PubMed 16114042 (cited by Athena Diagnostics); PubMed 16464865 (cited by Athena Diagnostics); PubMed 17120248 (cited by Athena Diagnostics); PubMed 18302728 (cited by Athena Diagnostics); PubMed 18308511 (cited by Athena Diagnostics); PubMed 21332470 (cited by Athena Diagnostics); PubMed 23006675 (cited by Athena Diagnostics); PubMed 29476190 (cited by Athena Diagnostics); PubMed 9829910 (cited by Athena Diagnostics); PubMed 10577937 (cited by OMIM); PubMed 8824881 (cited by OMIM).